The following is an entry in ClinVar:

ClinVar aggregate classification (germline): Uncertain significance. Review status: criteria provided, multiple submitters, no conflicts (2 of 4 stars). 2 submissions from 2 submitters: Uncertain significance (2). Last evaluated 2026-06-06.

Conditions:
Brugada syndrome. Also called: Sudden unexpected nocturnal death syndrome; Sudden unexplained nocturnal death syndrome; Sudden Unexplained Death Syndrome; Sudden Unexplained Nocturnal Death Syndrome (SUNDS). Identifiers: Orphanet 130, MedGen C1142166, MONDO:0015263.
Cardiovascular phenotype. Identifiers: MedGen CN230736.

Allele frequency attached by ClinVar (database versions not stated): TOPMed 0.00002; gnomAD exomes below 0.00001.
gnomAD v4.1: 1 of 1,613,224 alleles (0.000062%); highest among the groups gnomAD compares: Admixed American, 0.0017%; no homozygotes.

Submissions (2):

Ambry Genetics
Classification: Uncertain significance for Cardiovascular phenotype. Last evaluated: 2026-06-06. Review status: criteria provided, single submitter. Criteria: Ambry Variant Classification Scheme 2023. Collection method: clinical testing. Allele origin: germline.
Comment: The p.I514F variant (also known as c.1540A>T), located in coding exon 11 of the SCN10A gene, results from an A to T substitution at nucleotide position 1540. The isoleucine at codon 514 is replaced by phenylalanine, an amino acid with highly similar properties. This amino acid position is conserved. In addition, this alteration is predicted to be tolerated by in silico analysis. Based on the available evidence, the clinical significance of this variant remains unclear.

Labcorp Genetics (formerly Invitae), Labcorp
Classification: Uncertain significance for Brugada syndrome. Last evaluated: 2025-06-11. Review status: criteria provided, single submitter. Criteria: Invitae Variant Classification Sherloc (09022015). Collection method: clinical testing. Allele origin: germline.
Comment: This sequence change replaces isoleucine, which is neutral and non-polar, with phenylalanine, which is neutral and non-polar, at codon 514 of the SCN10A protein (p.Ile514Phe). This variant is not present in population databases (gnomAD no frequency). This variant has not been reported in the literature in individuals affected with SCN10A-related conditions. ClinVar contains an entry for this variant (Variation ID: 2084750). Invitae Evidence Modeling of protein sequence and biophysical properties (such as structural, functional, and spatial information, amino acid conservation, physicochemical variation, residue mobility, and thermodynamic stability) indicates that this missense variant is not expected to disrupt SCN10A protein function with a negative predictive value of 80%. In summary, the available evidence is currently insufficient to determine the role of this variant in disease. Therefore, it has been classified as a Variant of Uncertain Significance.

NM_006514.4(SCN10A):c.1540A>T (p.Ile514Phe)

Gene: SCN10A (sodium voltage-gated channel alpha subunit 10; minus strand). Cytogenetic location: 3p22.2.
Variant type: single nucleotide variant.
Coding change: c.1540A>T on transcript NM_006514.4 (MANE Select); coding-DNA position 1540, A replaced by T.
Protein change: p.Ile514Phe; replaces isoleucine 514 with phenylalanine.
Molecular consequence: missense variant. On other transcripts: intron variant (1).
Genome position (GRCh38, 1-based): chr3:38,752,434, T>A on the plus strand (A>T on the coding strand, the complement: SCN10A is on the minus strand). VCF-style: chr3-38752434-T-A. GRCh37 (hg19) VCF-style: chr3-38793925-T-A.
Other names: c.1540A>T (NM_006514.2); c.1540A>T, p.Ile514Phe (NM_001293306.2); c.1462-2250A>T (NM_001293307.2); short protein forms I514F.
Identifiers: ClinVar variation 2084750 (VCV002084750.6), dbSNP rs2063758811, ClinGen allele CA352167602.